The following is an entry in ClinVar:

NM_182914.3(SYNE2):c.4252G>C (p.Val1418Leu)

Gene: SYNE2 (spectrin repeat containing nuclear envelope protein 2; plus strand). Cytogenetic location: 14q23.2.
Variant type: single nucleotide variant.
Coding change: c.4252G>C on transcript NM_182914.3 (MANE Select); coding-DNA position 4252, G replaced by C.
Protein change: p.Val1418Leu; replaces valine 1418 with leucine.
Molecular consequence: missense variant.
Genome position (GRCh38, 1-based): chr14:64,003,185, G>C. VCF-style: chr14-64003185-G-C. GRCh37 (hg19) VCF-style: chr14-64469903-G-C.
Other names: c.4252G>C, p.Val1418Leu (NM_015180.6); short protein forms V1418L.
Identifiers: ClinVar variation 645926 (VCV000645926.11), dbSNP rs770898049, ClinGen allele CA7220165.

ClinVar aggregate classification (germline): Conflicting classifications of pathogenicity. Review status: criteria provided, conflicting classifications (1 of 4 stars). 4 submissions from 4 submitters: Uncertain significance (3); Likely benign (1). Last evaluated 2026-08-01.

Conditions:
Emery-Dreifuss muscular dystrophy 5, autosomal dominant (EDMD5). Also called: EMERY-DREIFUSS MUSCULAR DYSTROPHY 5. Identifiers: Orphanet 261, MedGen C2751805, MONDO:0013072, OMIM 612999.

Allele frequency attached by ClinVar (database versions not stated): ExAC 0.00003; gnomAD exomes 0.00005; gnomAD 0.00006 and 0.00007; TOPMed 0.00015.
gnomAD v4.1: 38 of 1,613,982 alleles (0.0024%); highest among the groups gnomAD compares: Admixed American, 0.042%; no homozygotes.

Submissions (4):

CeGaT Center for Human Genetics Tuebingen
Classification: Likely benign. Last evaluated: 2026-08-01. Review status: criteria provided, single submitter. Criteria: CeGaT Center For Human Genetics Tuebingen Variant Classification Criteria Version 2. Collection method: clinical testing. Allele origin: germline. Affected: yes. Observed: 1 variant allele.
Comment: SYNE2: BP4

Labcorp Genetics (formerly Invitae), Labcorp
Classification: Uncertain significance for Emery-Dreifuss muscular dystrophy 5, autosomal dominant. Last evaluated: 2025-08-31. Review status: criteria provided, single submitter. Criteria: Invitae Variant Classification Sherloc (09022015). Collection method: clinical testing. Allele origin: germline.
Comment: This sequence change replaces valine, which is neutral and non-polar, with leucine, which is neutral and non-polar, at codon 1418 of the SYNE2 protein (p.Val1418Leu). This variant is present in population databases (rs770898049, gnomAD 0.03%), and has an allele count higher than expected for a pathogenic variant. This variant has not been reported in the literature in individuals affected with SYNE2-related conditions. ClinVar contains an entry for this variant (Variation ID: 645926). An algorithm developed to predict the effect of missense changes on protein structure and function outputs the following: PolyPhen-2: "Benign". The leucine amino acid residue is found in multiple mammalian species, which suggests that this missense change does not adversely affect protein function. In summary, the available evidence is currently insufficient to determine the role of this variant in disease. Therefore, it has been classified as a Variant of Uncertain Significance.

Ambry Genetics
Classification: Uncertain significance. Last evaluated: 2024-01-03. Review status: criteria provided, single submitter. Criteria: Ambry Variant Classification Scheme 2023. Collection method: clinical testing. Allele origin: germline.

Women's Health and Genetics/Laboratory Corporation of America, LabCorp
Classification: Uncertain significance. Last evaluated: 2022-11-15. Review status: criteria provided, single submitter. Criteria: LabCorp Variant Classification Summary - May 2015. Collection method: clinical testing. Allele origin: germline.
Comment: Variant summary: SYNE2 c.4252G>C (p.Val1418Leu) results in a conservative amino acid change in the encoded protein sequence. Five of five in-silico tools predict a benign effect of the variant on protein function. The variant allele was found at a frequency of 5.2e-05 in 248906 control chromosomes (gnomAD). To our knowledge, no occurrence of c.4252G>C in individuals affected with Emery-Dreifuss Muscular Dystrophy 5, Autosomal Dominant and no experimental evidence demonstrating its impact on protein function have been reported. One ClinVar submitter has assessed the variant since 2014: the variant was classified as uncertain significance. Based on the evidence outlined above, the variant was classified as uncertain significance.